The following is an entry in ClinVar:

ClinVar aggregate classification (germline): Likely benign (0 of 4 stars; one submission).

Conditions:
CABIN1-related disorder. Also called: CABIN1-related condition.

Allele frequency attached by ClinVar (database versions not stated): 1000 Genomes Project 30x 0.00078; 1000 Genomes Project 0.00100; ESP Exome Variant Server 0.00292.
gnomAD v4.1: 6,980 of 1,613,468 alleles (0.43%); highest among the groups gnomAD compares: Non-Finnish European, 0.53%; 17 homozygotes.

Submission:

PreventionGenetics, part of Exact Sciences
Classification: Likely benign for CABIN1-related condition. Last evaluated: 2019-03-06. Review status: no assertion criteria provided. Collection method: clinical testing. Allele origin: germline.
Comment: This variant is classified as likely benign based on ACMG/AMP sequence variant interpretation guidelines (Richards et al. 2015 PMID: 25741868, with internal and published modifications).

NM_012295.4(CABIN1):c.6636C>G (p.Asp2212Glu)

Gene: CABIN1 (calcineurin binding protein 1; plus strand). Cytogenetic location: 22q11.23.
Variant type: single nucleotide variant.
Coding change: c.6636C>G on transcript NM_012295.4 (MANE Select); coding-DNA position 6636, C replaced by G.
Protein change: p.Asp2212Glu; replaces aspartic acid 2212 with glutamic acid.
Molecular consequence: missense variant.
Genome position (GRCh38, 1-based): chr22:24,178,169, C>G. VCF-style: chr22-24178169-C-G. GRCh37 (hg19) VCF-style: chr22-24574137-C-G.
Other names: c.6636C>G, p.Asp2212Glu (NM_001199281.1); c.6486C>G, p.Asp2162Glu (NM_001201429.2); short protein forms D2162E, D2212E.
Identifiers: ClinVar variation 3037768 (VCV003037768.2), dbSNP rs140560210, ClinGen allele CA10150090.